The following is an entry in ClinVar:

NM_006390.4(IPO8):c.1599G>C (p.Lys533Asn)

Gene: IPO8 (importin 8; minus strand). Cytogenetic location: 12p11.21.
Variant type: single nucleotide variant.
Coding change: c.1599G>C on transcript NM_006390.4 (MANE Select); coding-DNA position 1599, G replaced by C.
Protein change: p.Lys533Asn; replaces lysine 533 with asparagine.
Molecular consequence: missense variant.
Genome position (GRCh38, 1-based): chr12:30,662,483, C>G on the plus strand (G>C on the coding strand, the complement: IPO8 is on the minus strand). VCF-style: chr12-30662483-C-G. GRCh37 (hg19) VCF-style: chr12-30815417-C-G.
Other names: c.984G>C, p.Lys328Asn (NM_001190995.2); short protein forms K328N, K533N.
Identifiers: ClinVar variation 3110347 (VCV003110347.2), dbSNP rs202159470, ClinGen allele CA6498854.

ClinVar aggregate classification (germline): Uncertain significance. Review status: criteria provided, multiple submitters, no conflicts (2 of 4 stars). 2 submissions from 2 submitters: Uncertain significance (2). Last evaluated 2025-07-28.

Conditions:
Inborn genetic diseases. Identifiers: MedGen C0950123, MeSH D030342.

Allele frequency attached by ClinVar (database versions not stated): ESP Exome Variant Server 0.00008; gnomAD 0.00013; TOPMed 0.00014; gnomAD exomes 0.00028; ExAC 0.00007.
gnomAD v4.1: 463 of 1,608,026 alleles (0.029%); highest among the groups gnomAD compares: Non-Finnish European, 0.035%; no homozygotes.

Submissions (2):

Labcorp Genetics (formerly Invitae), Labcorp
Classification: Uncertain significance. Last evaluated: 2025-07-28. Review status: criteria provided, single submitter. Criteria: Invitae Variant Classification Sherloc (09022015). Collection method: clinical testing. Allele origin: germline.
Comment: This sequence change replaces lysine, which is basic and polar, with asparagine, which is neutral and polar, at codon 533 of the IPO8 protein (p.Lys533Asn). This variant is present in population databases (rs202159470, gnomAD 0.02%). This variant has not been reported in the literature in individuals affected with IPO8-related conditions. ClinVar contains an entry for this variant (Variation ID: 3110347). An algorithm developed to predict the effect of missense changes on protein structure and function (PolyPhen-2) suggests that this variant is likely to be tolerated. In summary, the available evidence is currently insufficient to determine the role of this variant in disease. Therefore, it has been classified as a Variant of Uncertain Significance.

Ambry Genetics
Classification: Uncertain significance for Inborn genetic diseases. Last evaluated: 2023-09-29. Review status: criteria provided, single submitter. Criteria: Ambry Variant Classification Scheme 2023. Collection method: clinical testing. Allele origin: germline.